The following is an entry in ClinVar:

ClinVar aggregate classification (germline): Uncertain significance. Review status: criteria provided, multiple submitters, no conflicts (2 of 4 stars). 2 submissions from 2 submitters: Uncertain significance (2). Last evaluated 2024-01-23.

Submissions (2):

Ambry Genetics
Classification: Uncertain significance. Last evaluated: 2024-01-23. Review status: criteria provided, single submitter. Criteria: Ambry Variant Classification Scheme 2023. Collection method: clinical testing. Allele origin: germline.

Labcorp Genetics (formerly Invitae), Labcorp
Classification: Uncertain significance. Last evaluated: 2021-03-10. Review status: criteria provided, single submitter. Criteria: Invitae Variant Classification Sherloc (09022015). Collection method: clinical testing. Allele origin: germline.
Comment: This sequence change replaces leucine with phenylalanine at codon 18 of the POLG2 protein (p.Leu18Phe). The leucine residue is moderately conserved and there is a small physicochemical difference between leucine and phenylalanine. This variant is not present in population databases (ExAC no frequency). This variant has not been reported in the literature in individuals with POLG2-related conditions. Algorithms developed to predict the effect of missense changes on protein structure and function output the following: SIFT: "Deleterious"; PolyPhen-2: "Benign"; Align-GVGD: "Class C0". The phenylalanine amino acid residue is found in multiple mammalian species, suggesting that this missense change does not adversely affect protein function. These predictions have not been confirmed by published functional studies and their clinical significance is uncertain. In summary, the available evidence is currently insufficient to determine the role of this variant in disease. Therefore, it has been classified as a Variant of Uncertain Significance.

NM_007215.4(POLG2):c.54G>T (p.Leu18Phe)

Genes: MILR1 (mast cell immunoglobulin like receptor 1; plus strand), POLG2 (DNA polymerase gamma 2, accessory subunit; minus strand). Cytogenetic location: 17q23.3.
Variant type: single nucleotide variant.
Coding change: c.54G>T on transcript NM_007215.4 (MANE Select); coding-DNA position 54, G replaced by T.
Protein change: p.Leu18Phe; replaces leucine 18 with phenylalanine.
Molecular consequence: missense variant.
Genome position (GRCh38, 1-based): chr17:64,496,915, C>A on the plus strand (G>T on the coding strand, the complement: POLG2 is on the minus strand). VCF-style: chr17-64496915-C-A. GRCh37 (hg19) VCF-style: chr17-62493033-C-A.
Other names: c.54G>T (NM_007215.3); short protein forms L18F.
Identifiers: ClinVar variation 1435539 (VCV001435539.9), dbSNP rs2038163120, ClinGen allele CA400641741.